The following is an entry in ClinVar:

ClinVar aggregate classification (germline): Benign (1 of 4 stars; one submission).

Allele frequency attached by ClinVar (database versions not stated): 1000 Genomes Project 0.02305; 1000 Genomes Project 30x 0.02393; TOPMed 0.03847; gnomAD 0.04098 and 0.04156.
gnomAD v4.1: 4,594 of 111,909 alleles (4.1%); highest among the groups gnomAD compares: Non-Finnish European, 6.2%; 96 homozygotes.

Submission:

GeneDx
Classification: Benign. Last evaluated: 2018-06-14. Review status: criteria provided, single submitter. Criteria: GeneDx Variant Classification (06012015). Collection method: clinical testing. Allele origin: germline. Affected: yes.
Comment: This variant is considered likely benign or benign based on one or more of the following criteria: it is a conservative change, it occurs at a poorly conserved position in the protein, it is predicted to be benign by multiple in silico algorithms, and/or has population frequency not consistent with disease.

NM_004006.3(DMD):c.265-728C>A

Gene: DMD (dystrophin; minus strand). Cytogenetic location: Xp21.1.
Variant type: single nucleotide variant.
Coding change: c.265-728C>A on transcript NM_004006.3 (MANE Select); 728 bases into the intron before coding-DNA position 265, C replaced by A.
Molecular consequence: intron variant.
Genome position (GRCh38, 1-based): chrX:32,824,115, G>T on the plus strand (C>A on the coding strand, the complement: DMD is on the minus strand). VCF-style: chrX-32824115-G-T. GRCh37 (hg19) VCF-style: chrX-32842232-G-T.
Other names: c.241-728C>A (NM_000109.4); c.253-728C>A (NM_004009.3); c.-105-728C>A (NM_004010.3).
Identifiers: ClinVar variation 680625 (VCV000680625.1), dbSNP rs139319218, ClinGen allele CA328575208.